The following is an entry in ClinVar:

NM_052947.4(ALPK2):c.3266T>C (p.Leu1089Pro)

Gene: ALPK2 (alpha kinase 2; minus strand). Cytogenetic location: 18q21.31.
Variant type: single nucleotide variant.
Coding change: c.3266T>C on transcript NM_052947.4 (MANE Select); coding-DNA position 3266, T replaced by C.
Protein change: p.Leu1089Pro; replaces leucine 1089 with proline.
Molecular consequence: missense variant.
Genome position (GRCh38, 1-based): chr18:58,536,921, A>G on the plus strand (T>C on the coding strand, the complement: ALPK2 is on the minus strand). VCF-style: chr18-58536921-A-G. GRCh37 (hg19) VCF-style: chr18-56204153-A-G.
Other names: short protein forms L1089P.
Identifiers: ClinVar variation 2561785 (VCV002561785.2), dbSNP rs2518876671, ClinGen allele CA402568754.
Genomic context (GRCh38, chr18:58,536,921, plus strand): 5'-TCTCCAGACAGGTTATCAACCTGAAGAGGGGAATTACTGCAGAAACCCTCTCCCTCTGGG[A>G]GCTGCAGGACATGGTGTGGGACTCCTGGCACACTGGGTGCCCTGCAAAGTAGCTCTTTTG-3'
Protein context (NP_443179.3, residues 1079-1099): VPGVPHHVLQ[Leu1089Pro]PEGEGFCSNS

ClinVar aggregate classification (germline): Uncertain significance (1 of 4 stars; one submission).

Submission:

Ambry Genetics
Classification: Uncertain significance. Last evaluated: 2023-03-29. Review status: criteria provided, single submitter. Criteria: Ambry Variant Classification Scheme 2023. Collection method: clinical testing. Allele origin: germline.
Comment: The p.L1089P variant (also known as c.3266T>C), located in coding exon 4 of the ALPK2 gene, results from a T to C substitution at nucleotide position 3266. The leucine at codon 1089 is replaced by proline, an amino acid with similar properties. This amino acid position is conserved. In addition, this alteration is predicted to be tolerated by in silico analysis. Since supporting evidence is limited at this time, the clinical significance of this alteration remains unclear.